The following is an entry in ClinVar:

NM_000093.5(COL5A1):c.1432G>A (p.Gly478Ser)

Gene: COL5A1 (collagen type V alpha 1 chain; plus strand). Cytogenetic location: 9q34.3.
Variant type: single nucleotide variant.
Coding change: c.1432G>A on transcript NM_000093.5 (MANE Select); coding-DNA position 1432, G replaced by A.
Protein change: p.Gly478Ser; replaces glycine 478 with serine.
Molecular consequence: missense variant.
Genome position (GRCh38, 1-based): chr9:134,738,746, G>A. VCF-style: chr9-134738746-G-A. GRCh37 (hg19) VCF-style: chr9-137630592-G-A.
Other names: c.1432G>A, p.Gly478Ser (NM_001278074.1); short protein forms G478S.
Identifiers: ClinVar variation 2704026 (VCV002704026.3), dbSNP rs1835194794, ClinGen allele CA375441264.

ClinVar aggregate classification (germline): Uncertain significance (1 of 4 stars; one submission).

Conditions:
Ehlers-Danlos syndrome, classic type, 1 (EDSCL1). Also called: EHLERS-DANLOS SYNDROME, GRAVIS TYPE; EHLERS-DANLOS SYNDROME, SEVERE CLASSIC TYPE; Ehlers-Danlos syndrome, type 1; Ehlers-Danlos Syndrome, Classic Type, COL5A1-Related; EDS I. Identifiers: MedGen C0268335, MONDO:0019567, OMIM 130000.

Submission:

Labcorp Genetics (formerly Invitae), Labcorp
Classification: Uncertain significance for Ehlers-Danlos syndrome, classic type, 1. Last evaluated: 2023-12-19. Review status: criteria provided, single submitter. Criteria: Invitae Variant Classification Sherloc (09022015). Collection method: clinical testing. Allele origin: germline.
Comment: This sequence change replaces glycine, which is neutral and non-polar, with serine, which is neutral and polar, at codon 478 of the COL5A1 protein (p.Gly478Ser). This variant is not present in population databases (gnomAD no frequency). This variant has not been reported in the literature in individuals affected with COL5A1-related conditions. An algorithm developed to predict the effect of missense changes on protein structure and function (PolyPhen-2) suggests that this variant is likely to be disruptive. In summary, the available evidence is currently insufficient to determine the role of this variant in disease. Therefore, it has been classified as a Variant of Uncertain Significance.